The following is an entry in ClinVar:

ClinVar aggregate classification (germline): Pathogenic/Likely pathogenic. Review status: criteria provided, multiple submitters, no conflicts (2 of 4 stars). 2 submissions from 2 submitters: Pathogenic (1); Likely pathogenic (1). Last evaluated 2025-10-13.

Conditions:
Hereditary spastic paraplegia 4. Also called: Familial spastic paraplegia autosomal dominant 2; Spastic paraplegia 4, autosomal dominant; Spastic Paraplegia 4. Identifiers: Orphanet 100985, MedGen C1866855, MONDO:0008438, OMIM 182601.
SPAST-related disorder. Also called: SPAST-related condition.

Submissions (2):

Labcorp Genetics (formerly Invitae), Labcorp
Classification: Pathogenic for Hereditary spastic paraplegia 4. Last evaluated: 2025-10-13. Review status: criteria provided, single submitter. Criteria: Invitae Variant Classification Sherloc (09022015). Collection method: clinical testing. Allele origin: germline.
Comment: This sequence change affects an acceptor splice site in intron 7 of the SPAST gene. It is expected to disrupt RNA splicing. Variants that disrupt the donor or acceptor splice site typically lead to a loss of protein function (PMID: 16199547), and loss-of-function variants in SPAST are known to be pathogenic (PMID: 20932283). This variant is not present in population databases (gnomAD no frequency). Disruption of this splice site has been observed in individuals with hereditary spastic paraplegia (PMID: 29907907, 30476002). ClinVar contains an entry for this variant (Variation ID: 2630100). Algorithms developed to predict the effect of sequence changes on RNA splicing suggest that this variant may disrupt the consensus splice site. For these reasons, this variant has been classified as Pathogenic.

PreventionGenetics, part of Exact Sciences
Classification: Likely pathogenic for SPAST-related condition. Last evaluated: 2023-01-04. Review status: criteria provided, single submitter. Criteria: ACMG Guidelines, 2015. Collection method: clinical testing. Allele origin: germline.
Comment: The SPAST c.1099-2A>C variant is predicted to disrupt the AG splice acceptor site and interfere with normal splicing. To our knowledge, this variant has not been reported in the literature or in a large population database, indicating this variant is rare. However, other variants predicted to impact the same splice acceptor site in SPAST have been reported as pathogenic in individuals with spastic paraplegia phenotypes (Parodi et al. 2018. PubMed ID: 30476002; Duz et al. 2018. PubMed ID: 29907907). Variants that disrupt the consensus splice acceptor site in SPAST are expected to be pathogenic. Taken together, this variant is interpreted as likely pathogenic.

Literature cited by the submitters: PubMed 16199547 (cited by Labcorp Genetics (formerly Invitae), Labcorp); PubMed 20932283 (cited by Labcorp Genetics (formerly Invitae), Labcorp); PubMed 29907907 (cited by Labcorp Genetics (formerly Invitae), Labcorp); PubMed 30476002 (cited by Labcorp Genetics (formerly Invitae), Labcorp).

NM_014946.4(SPAST):c.1099-2A>C

Gene: SPAST (spastin; plus strand). Cytogenetic location: 2p22.3.
Variant type: single nucleotide variant.
Coding change: c.1099-2A>C on transcript NM_014946.4 (MANE Select); the canonical splice acceptor site of the intron before coding-DNA position 1099, A replaced by C.
Molecular consequence: splice acceptor variant.
Genome position (GRCh38, 1-based): chr2:32,126,946, A>C. VCF-style: chr2-32126946-A-C. GRCh37 (hg19) VCF-style: chr2-32352015-A-C.
Other names: c.1003-2A>C (NM_199436.2, NM_001377959.1); c.1096-2A>C (NM_001363823.2); c.1000-2A>C (NM_001363875.2).
Identifiers: ClinVar variation 2630100 (VCV002630100.3), dbSNP rs2465860656, ClinGen allele CA346501184.